The following is an entry in ClinVar:

ClinVar aggregate classification (germline): Likely benign. Review status: criteria provided, multiple submitters, no conflicts (2 of 4 stars). 6 submissions from 6 submitters: Likely benign (5). 1 of the submissions does not count toward it. Last evaluated 2026-06-01.

Conditions:
LAMA5-related disorder. Also called: LAMA5-Related Disorders; LAMA5-related condition.

Allele frequency attached by ClinVar (database versions not stated): 1000 Genomes Project 0.00260; 1000 Genomes Project 30x 0.00281; ESP Exome Variant Server 0.00371; gnomAD 0.00404 and 0.00426; gnomAD exomes 0.00405 and 0.00440; TOPMed 0.00455; ExAC 0.00507.
gnomAD v4.1: 7,081 of 1,606,084 alleles (0.44%); highest among the groups gnomAD compares: Middle Eastern, 1.9%; 26 homozygotes.

Submissions (6):

CeGaT Center for Human Genetics Tuebingen
Classification: Likely benign. Last evaluated: 2026-06-01. Review status: criteria provided, single submitter. Criteria: CeGaT Center For Human Genetics Tuebingen Variant Classification Criteria Version 2. Collection method: clinical testing. Allele origin: germline. Affected: yes. Observed: 8 variant alleles.
Comment: LAMA5: BP4, BS2

Labcorp Genetics (formerly Invitae), Labcorp
Classification: Likely benign. Last evaluated: 2026-01-27. Review status: criteria provided, single submitter. Criteria: Invitae Variant Classification Sherloc (09022015). Collection method: clinical testing. Allele origin: germline.

Mayo Clinic Laboratories, Mayo Clinic
Classification: Likely benign. Last evaluated: 2025-12-07. Review status: criteria provided, single submitter. Criteria: ACMG Guidelines, 2015. Collection method: clinical testing. Allele origin: germline. Observed: 3 variant alleles.
Comment: BS1, BP4_moderate

Blueprint Genetics
Classification: Likely benign. Last evaluated: 2024-11-26. Review status: criteria provided, single submitter. Criteria: ACMG Guidelines, 2015. Collection method: clinical testing. Allele origin: germline.

Breakthrough Genomics
Classification: Likely benign. Review status: criteria provided, single submitter. Criteria: ACMG Guidelines, 2015. Collection method: not provided. Allele origin: germline. Inheritance: Autosomal recessive inheritance. Affected: yes.

PreventionGenetics, part of Exact Sciences
Classification: Benign for LAMA5-related condition. Last evaluated: 2023-05-22. Review status: no assertion criteria provided. Collection method: clinical testing. Allele origin: germline. Not counted in ClinVar's aggregate classification.
Comment: This variant is classified as benign based on ACMG/AMP sequence variant interpretation guidelines (Richards et al. 2015 PMID: 25741868, with internal and published modifications).

NM_005560.6(LAMA5):c.8665C>T (p.Pro2889Ser)

Gene: LAMA5 (laminin subunit alpha 5; minus strand). Cytogenetic location: 20q13.33.
Variant type: single nucleotide variant.
Coding change: c.8665C>T on transcript NM_005560.6 (MANE Select); coding-DNA position 8665, C replaced by T.
Protein change: p.Pro2889Ser; replaces proline 2889 with serine.
Molecular consequence: missense variant.
Genome position (GRCh38, 1-based): chr20:62,313,454, G>A on the plus strand (C>T on the coding strand, the complement: LAMA5 is on the minus strand). VCF-style: chr20-62313454-G-A. GRCh37 (hg19) VCF-style: chr20-60888510-G-A.
Other names: p.Pro2889Ser; short protein forms P2889S.
Identifiers: ClinVar variation 782632 (VCV000782632.36), dbSNP rs138708242, ClinGen allele CA9940589.